The following is an entry in ClinVar:

NM_001903.5(CTNNA1):c.1368G>C (p.Gln456His)

Gene: CTNNA1 (catenin alpha 1; plus strand). Cytogenetic location: 5q31.2.
Variant type: single nucleotide variant.
Coding change: c.1368G>C on transcript NM_001903.5 (MANE Select); coding-DNA position 1368, G replaced by C.
Protein change: p.Gln456His; replaces glutamine 456 with histidine.
Molecular consequence: missense variant. On other transcripts: 5 prime UTR variant (4), intron variant (3).
Genome position (GRCh38, 1-based): chr5:138,904,420, G>C. VCF-style: chr5-138904420-G-C. GRCh37 (hg19) VCF-style: chr5-138240109-G-C.
Other names: c.1368G>C, p.Gln456His (NM_001290307.3, NM_001323982.2, NM_001323983.1 and 2 more transcripts); c.1059G>C, p.Gln353His (NM_001290309.3); c.999G>C, p.Gln333His (NM_001290310.3); c.258G>C, p.Gln86His (NM_001290312.1, NM_001323987.1, NM_001323988.1 and 17 more transcripts); c.-140G>C (NM_001324006.1, NM_001324007.1, NM_001324008.1 and 1 more transcripts); c.15G>C, p.Gln5His (NM_001324012.1, NM_001324013.1); c.1297-13322G>C (NM_001323986.2); c.187-13322G>C (NM_001324011.1); and 1 more; short protein forms Q86H, Q353H, Q456H, Q333H, Q5H.
Identifiers: ClinVar variation 663068 (VCV000663068.8), dbSNP rs1581613999, ClinGen allele CA361136010.

ClinVar aggregate classification (germline): Uncertain significance (1 of 4 stars; one submission).

Allele frequency attached by ClinVar (database versions not stated): gnomAD exomes below 0.00001.
gnomAD v4.1: 1 of 1,614,090 alleles (0.000062%); highest among the groups gnomAD compares: Non-Finnish European, 0.000085%; no homozygotes.

Submission:

Labcorp Genetics (formerly Invitae), Labcorp
Classification: Uncertain significance. Last evaluated: 2018-10-20. Review status: criteria provided, single submitter. Criteria: Invitae Variant Classification Sherloc (09022015). Collection method: clinical testing. Allele origin: germline.
Comment: This variant is not present in population databases (ExAC no frequency). In summary, the available evidence is currently insufficient to determine the role of this variant in disease. Therefore, it has been classified as a Variant of Uncertain Significance. Algorithms developed to predict the effect of missense changes on protein structure and function (SIFT, PolyPhen-2, Align-GVGD) all suggest that this variant is likely to be tolerated, but these predictions have not been confirmed by published functional studies and their clinical significance is uncertain. This variant has not been reported in the literature in individuals with CTNNA1-related disease. This sequence change replaces glutamine with histidine at codon 456 of the CTNNA1 protein (p.Gln456His). The glutamine residue is highly conserved and there is a small physicochemical difference between glutamine and histidine.